The following is an entry in ClinVar:

NM_000291.4(PGK1):c.988C>T (p.Arg330Trp)

Gene: PGK1 (phosphoglycerate kinase 1; plus strand). Cytogenetic location: Xq21.1.
Variant type: single nucleotide variant.
Coding change: c.988C>T on transcript NM_000291.4 (MANE Select); coding-DNA position 988, C replaced by T.
Protein change: p.Arg330Trp; replaces arginine 330 with tryptophan.
Molecular consequence: missense variant.
Genome position (GRCh38, 1-based): chrX:78,124,925, C>T. VCF-style: chrX-78124925-C-T. GRCh37 (hg19) VCF-style: chrX-77380422-C-T.
Other names: short protein forms R330W.
Identifiers: ClinVar variation 1914897 (VCV001914897.6), dbSNP rs782819714, ClinGen allele CA10459809.
Genomic context (GRCh38, chrX:78,124,925, plus strand): 5'-ACCCCTCAGGGCTTGGACTGTGGTCCTGAAAGCAGCAAGAAGTATGCTGAGGCTGTCACT[C>T]GGGCTAAGCAGATTGTGTGGAATGGTCCTGTGGGGGTATTTGAATGGGAAGCTTTTGCCC-3'
Protein context (NP_000282.1, residues 320-340): SSKKYAEAVT[Arg330Trp]AKQIVWNGPV

ClinVar aggregate classification (germline): Uncertain significance. Review status: criteria provided, multiple submitters, no conflicts (2 of 4 stars). 2 submissions from 2 submitters: Uncertain significance (2). Last evaluated 2024-04-10.

Conditions:
Glycogen storage disease due to phosphoglycerate kinase 1 deficiency. Also called: PHOSPHOGLYCERATE KINASE 1 DEFICIENCY WITH LEVO-DOPA-RESPONSIVE PARKINSONISM; PGK1 DEFICIENCY. Identifiers: Orphanet 713, MedGen C1970848, MONDO:0010392, OMIM 300653.

Allele frequency attached by ClinVar (database versions not stated): ExAC 0.00001; gnomAD exomes 0.00001; TOPMed 0.00001; gnomAD 0.00002.
gnomAD v4.1: 12 of 1,206,940 alleles (0.00099%); highest among the groups gnomAD compares: South Asian, 0.0071%; no homozygotes.

Submissions (2):

Fulgent Genetics
Classification: Uncertain significance for Glycogen storage disease due to phosphoglycerate kinase 1 deficiency. Last evaluated: 2024-04-10. Review status: criteria provided, single submitter. Criteria: ACMG Guidelines, 2015. Collection method: clinical testing. Allele origin: germline.

Labcorp Genetics (formerly Invitae), Labcorp
Classification: Uncertain significance. Last evaluated: 2022-09-01. Review status: criteria provided, single submitter. Criteria: Invitae Variant Classification Sherloc (09022015). Collection method: clinical testing. Allele origin: germline.
Comment: In summary, the available evidence is currently insufficient to determine the role of this variant in disease. Therefore, it has been classified as a Variant of Uncertain Significance. Algorithms developed to predict the effect of missense changes on protein structure and function are either unavailable or do not agree on the potential impact of this missense change (SIFT: "Deleterious"; PolyPhen-2: "Benign"; Align-GVGD: "Class C0"). This variant has not been reported in the literature in individuals affected with PGK1-related conditions. This variant is present in population databases (rs782819714, gnomAD 0.008%). This sequence change replaces arginine, which is basic and polar, with tryptophan, which is neutral and slightly polar, at codon 330 of the PGK1 protein (p.Arg330Trp).